The following is an entry in ClinVar:

NM_001037.5(SCN1B):c.41T>C (p.Val14Ala)

Gene: SCN1B (sodium voltage-gated channel beta subunit 1; plus strand). Cytogenetic location: 19q13.11.
Variant type: single nucleotide variant.
Coding change: c.41T>C on transcript NM_001037.5 (MANE Select); coding-DNA position 41, T replaced by C.
Protein change: p.Val14Ala; replaces valine 14 with alanine.
Molecular consequence: missense variant. On other transcripts: 5 prime UTR variant (1).
Genome position (GRCh38, 1-based): chr19:35,032,528, T>C. VCF-style: chr19-35032528-T-C. GRCh37 (hg19) VCF-style: chr19-35523432-T-C.
Other names: c.-59T>C (NM_001321605.2); c.41T>C, p.Val14Ala (NM_199037.5); short protein forms V14A.
Identifiers: ClinVar variation 1189924 (VCV001189924.7), dbSNP rs2151745962, ClinGen allele CA405327869.

ClinVar aggregate classification (germline): Uncertain significance. Review status: criteria provided, multiple submitters, no conflicts (2 of 4 stars). 2 submissions from 2 submitters: Uncertain significance (2). Last evaluated 2022-04-19.

Conditions:
Brugada syndrome 5 (BRGDA5). Identifiers: Orphanet 130, Orphanet 871, MedGen C2748541, MONDO:0013015, OMIM 612838.

Submissions (2):

Labcorp Genetics (formerly Invitae), Labcorp
Classification: Uncertain significance for Brugada syndrome 5. Last evaluated: 2022-04-19. Review status: criteria provided, single submitter. Criteria: Invitae Variant Classification Sherloc (09022015). Collection method: clinical testing. Allele origin: germline.
Comment: This variant has not been reported in the literature in individuals affected with SCN1B-related conditions. ClinVar contains an entry for this variant (Variation ID: 1189924). Algorithms developed to predict the effect of missense changes on protein structure and function are either unavailable or do not agree on the potential impact of this missense change (SIFT: "Tolerated"; PolyPhen-2: "Not Available"; Align-GVGD: "Class C0"). In summary, the available evidence is currently insufficient to determine the role of this variant in disease. Therefore, it has been classified as a Variant of Uncertain Significance. This sequence change replaces valine, which is neutral and non-polar, with alanine, which is neutral and non-polar, at codon 14 of the SCN1B protein (p.Val14Ala). This variant is not present in population databases (gnomAD no frequency).

GeneDx
Classification: Uncertain significance. Last evaluated: 2019-06-05. Review status: criteria provided, single submitter. Criteria: GeneDx Variant Classification Process June 2021. Collection method: clinical testing. Allele origin: germline. Affected: yes.
Comment: Has not been previously published as pathogenic or benign to our knowledge; Not observed in large population cohorts (Lek et al., 2016); In silico analysis, which includes protein predictors and evolutionary conservation, supports that this variant does not alter protein structure/function